The following is an entry in ClinVar:

NM_001375808.2(LPIN2):c.616GAA[2] (p.Glu208del)

Gene: LPIN2 (lipin 2; minus strand). Cytogenetic location: 18p11.31.
Variant type: Microsatellite.
Coding change: c.616GAA[2] on transcript NM_001375808.2 (MANE Select); two copies in a row of the 3-base unit GAA starting at c.616; the reference has three copies in a row; one copy, 3 bases deleted.
Protein change: p.Glu208del; deletes glutamic acid 208.
Molecular consequence: inframe deletion.
Genome position (GRCh38, 1-based): chr18:2,940,679-2,940,681, TTC deleted on the plus strand (GAA on the coding strand, the reverse complement: LPIN2 is on the minus strand); deleting any 3 consecutive bases within chr18:2,940,679-2,940,689 gives the same sequence; the position shown is the placement nearest the transcript's 3' end. VCF-style (leftmost placement, unchanged base first): chr18-2940678-ATTC-A. GRCh37 (hg19) VCF-style: chr18-2940676-ATTC-A.
Other names: c.622_624del (NM_014646.2); c.616GAA[2], p.Glu208del (NM_001375809.1, NM_014646.2); short protein forms E208del.
Identifiers: ClinVar variation 848862 (VCV000848862.9), dbSNP rs749710348, ClinGen allele CA295509644.

ClinVar aggregate classification (germline): Uncertain significance (1 of 4 stars; one submission).

Conditions:
Majeed syndrome (MJDS). Also called: LPIN2-Related Majeed Syndrome; CHRONIC RECURRENT MULTIFOCAL OSTEOMYELITIS 1, WITH CONGENITAL DYSERYTHROPOIETIC ANEMIA, WITH OR WITHOUT NEUTROPHILIC DERMATOSIS. Identifiers: Orphanet 77297, MedGen C1864997, MONDO:0012316, OMIM 609628.

Submission:

Labcorp Genetics (formerly Invitae), Labcorp
Classification: Uncertain significance for Majeed syndrome. Last evaluated: 2022-10-24. Review status: criteria provided, single submitter. Criteria: Invitae Variant Classification Sherloc (09022015). Collection method: clinical testing. Allele origin: germline.
Comment: This variant is present in population databases (rs756468059, gnomAD 0.003%). This variant has been observed in individual(s) with primary immunodeficiency disease (PMID: 30290665). ClinVar contains an entry for this variant (Variation ID: 848862). Experimental studies and prediction algorithms are not available or were not evaluated, and the functional significance of this variant is currently unknown. In summary, the available evidence is currently insufficient to determine the role of this variant in disease. Therefore, it has been classified as a Variant of Uncertain Significance. This variant, c.622_624del, results in the deletion of 1 amino acid(s) of the LPIN2 protein (p.Glu208del), but otherwise preserves the integrity of the reading frame.

Literature cited by the submitters: PubMed 30290665.